The following is an entry in ClinVar:

NM_004360.5(CDH1):c.1902G>A (p.Ala634=)

Gene: CDH1 (cadherin 1; plus strand). Cytogenetic location: 16q22.1.
Variant type: single nucleotide variant.
Coding change: c.1902G>A on transcript NM_004360.5 (MANE Select); coding-DNA position 1902, G replaced by A.
Protein change: p.Ala634=; no amino-acid change (alanine 634 retained).
Molecular consequence: synonymous variant. On other transcripts: 5 prime UTR variant (1).
Genome position (GRCh38, 1-based): chr16:68,822,191, G>A. VCF-style: chr16-68822191-G-A. GRCh37 (hg19) VCF-style: chr16-68856094-G-A.
Other names: c.1902G>A (LRG_301t1); c.1719G>A, p.Ala573= (NM_001317184.2); c.354G>A, p.Ala118= (NM_001317185.2); c.-64G>A (NM_001317186.2).
Identifiers: ClinVar variation 187456 (VCV000187456.17), dbSNP rs754404223, ClinGen allele CA197694.

ClinVar aggregate classification (germline): Benign/Likely benign. Review status: criteria provided, multiple submitters, no conflicts (2 of 4 stars). 5 submissions from 5 submitters: Benign (1); Likely benign (4). Last evaluated 2025-11-30.

Conditions:
Hereditary cancer-predisposing syndrome. Also called: Hereditary Cancer Syndrome; Neoplastic Syndromes, Hereditary; Tumor predisposition; Hereditary neoplastic syndrome. Identifiers: Orphanet 140162, MedGen C0027672, MeSH D009386, MONDO:0015356.
Hereditary diffuse gastric adenocarcinoma (HDGC). Also called: DIFFUSE GASTRIC AND LOBULAR BREAST CANCER SYNDROME. Identifiers: Orphanet 26106, MedGen C1708349, MONDO:0007648, OMIM 137215.

Allele frequency attached by ClinVar (database versions not stated): gnomAD exomes below 0.00001; ExAC 0.00001; gnomAD 0.00001 and 0.00002; TOPMed 0.00002.
gnomAD v4.1: 18 of 1,613,914 alleles (0.0011%); highest among the groups gnomAD compares: Middle Eastern, 0.016%; no homozygotes.

Submissions (5):

Labcorp Genetics (formerly Invitae), Labcorp
Classification: Likely benign for Hereditary diffuse gastric adenocarcinoma. Last evaluated: 2025-11-30. Review status: criteria provided, single submitter. Criteria: Invitae Variant Classification Sherloc (09022015). Collection method: clinical testing. Allele origin: germline.

Myriad Genetics, Inc.
Classification: Benign for Hereditary diffuse gastric adenocarcinoma. Last evaluated: 2024-09-20. Review status: criteria provided, single submitter. Criteria: Myriad Autosomal Dominant, Autosomal Recessive and X-Linked Classification Criteria (2023). Collection method: clinical testing. Allele origin: unknown.
Comment: This variant is considered benign. This variant is a silent/synonymous amino acid change and it is not expected to impact splicing.

Color Diagnostics, LLC DBA Color Health
Classification: Likely benign for Hereditary cancer-predisposing syndrome. Last evaluated: 2017-10-23. Review status: criteria provided, single submitter. Criteria: ACMG Guidelines, 2015. Collection method: clinical testing. Allele origin: germline.

GeneDx
Classification: Likely benign. Last evaluated: 2017-06-21. Review status: criteria provided, single submitter. Criteria: GeneDx Variant Classification (06012015). Collection method: clinical testing. Allele origin: germline. Affected: yes.
Comment: This variant is considered likely benign or benign based on one or more of the following criteria: it is a conservative change, it occurs at a poorly conserved position in the protein, it is predicted to be benign by multiple in silico algorithms, and/or has population frequency not consistent with disease.

Ambry Genetics
Classification: Likely benign for Hereditary cancer-predisposing syndrome. Last evaluated: 2014-12-16. Review status: criteria provided, single submitter. Criteria: Ambry Variant Classification Scheme 2023. Collection method: clinical testing. Allele origin: germline.